The following is an entry in ClinVar:

ClinVar aggregate classification (germline): Uncertain significance. Review status: criteria provided, multiple submitters, no conflicts (2 of 4 stars). 2 submissions from 2 submitters: Uncertain significance (2). Last evaluated 2026-09-21.

Conditions:
Cardiovascular phenotype. Identifiers: MedGen CN230736.

Submissions (2):

Molecular Diagnostic Laboratory for Inherited Cardiovascular Disease, Montreal Heart Institute
Classification: Uncertain significance for Cardiovascular phenotype. Last evaluated: 2026-09-21. Review status: criteria provided, single submitter. Criteria: ACMG Guidelines, 2015. Collection method: clinical testing. Allele origin: germline. Affected: yes.
Comment: PM1, PM2

GeneDx
Classification: Uncertain significance. Last evaluated: 2016-12-08. Review status: criteria provided, single submitter. Criteria: GeneDx Variant Classification (06012015). Collection method: clinical testing. Allele origin: germline. Affected: yes.
Comment: The N68D variant of uncertain significance in the DSG2 gene has not been published as a pathogenic variant, nor hasit been reported as a benign variant to our knowledge. N68D variant was not observed in approximately 6,000individuals of European and African American ancestry in the NHLBI Exome Sequencing Project, nor was it observedin the Exome Aggregation Consortium (ExAC), indicating it is not a common benign variant in these populations.The N68D variant is a semi-conservative amino acid substitution, which may impact secondary protein structure asthese residues differ in some properties. Furthermore, this substitution occurs at a position that is conserved acrossspecies, and in silico analysis predicts this variant is probably damaging to the protein structure/function.Based on the currently available information, it is unclear whether this variant is pathogenic or rare benign. This result cannot be interpreted for diagnosis or used forfamily member screening at this time.

NM_001943.5(DSG2):c.202A>G (p.Asn68Asp)

Gene: DSG2 (desmoglein 2; plus strand). Cytogenetic location: 18q12.1.
Variant type: single nucleotide variant.
Coding change: c.202A>G on transcript NM_001943.5 (MANE Select); coding-DNA position 202, A replaced by G.
Protein change: p.Asn68Asp; replaces asparagine 68 with aspartic acid.
Molecular consequence: missense variant.
Genome position (GRCh38, 1-based): chr18:31,519,923, A>G. VCF-style: chr18-31519923-A-G. GRCh37 (hg19) VCF-style: chr18-29099886-A-G.
Other names: c.202A>G (NM_001943.4, LRG_397t1); short protein forms N68D.
Identifiers: ClinVar variation 373740 (VCV000373740.2), dbSNP rs1057518583, ClinGen allele CA16043051.
Genomic context (GRCh38, chr18:31,519,923, plus strand): 5'-AAGCGCGCCTGGATCACCGCCCCCGTGGCTCTTCGGGAGGGAGAGGATCTGTCCAAGAAG[A>G]ATCCAATTGCCAAGGTACCTCCTAAAGAGGAACATGAAATACATGCATATGACTAAAATG-3'
Protein context (NP_001934.2, residues 58-78): LREGEDLSKK[Asn68Asp]PIAKIHSDLA